The following is an entry in ClinVar:

NM_005359.6(SMAD4):c.668-19T>C

Gene: SMAD4 (SMAD family member 4; plus strand). Cytogenetic location: 18q21.2.
Variant type: single nucleotide variant.
Coding change: c.668-19T>C on transcript NM_005359.6 (MANE Select); 19 bases into the intron before coding-DNA position 668, T replaced by C.
Molecular consequence: intron variant.
Genome position (GRCh38, 1-based): chr18:51,058,106, T>C. VCF-style: chr18-51058106-T-C. GRCh37 (hg19) VCF-style: chr18-48584476-T-C.
Other names: c.668-19T>C (NM_001407042.1, NM_001407041.1, NM_001407043.1).
Identifiers: ClinVar variation 3903652 (VCV003903652.1).
Genomic context (GRCh38, chr18:51,058,106, plus strand): 5'-ATTGGTCCTTCATTTAGTATATGAAATCATAAGATGACATCTATGAATGTACCATGTTAA[T>C]GTCTTCTTGTTCCTCTAGGTCAGCCTGCCAGTATACTGGGGGGCAGCCATAGTGAAGGAC-3'

ClinVar aggregate classification (germline): Likely benign (1 of 4 stars; one submission).

Conditions:
Juvenile polyposis/hereditary hemorrhagic telangiectasia syndrome (JPHT). Also called: JP/HHT SYNDROME; JUVENILE POLYPOSIS WITH HEREDITARY HEMORRHAGIC TELANGIECTASIA; POLYPOSIS, GENERALIZED JUVENILE, WITH PULMONARY ARTERIOVENOUS MALFORMATION; TELANGIECTASIA, HEREDITARY HEMORRHAGIC, WITH JUVENILE POLYPOSIS COLI; Juvenile Polyposis Syndrome / Hereditary Hemorrhagic Telangiectasia (JPS/HHT). Identifiers: Orphanet 2929, MedGen C1832942, MONDO:0008278, OMIM 175050.

Submission:

Myriad Genetics, Inc.
Classification: Likely benign for Juvenile polyposis/hereditary hemorrhagic telangiectasia syndrome. Last evaluated: 2025-03-19. Review status: criteria provided, single submitter. Criteria: Myriad Autosomal Dominant, Autosomal Recessive and X-Linked Classification Criteria (2023). Collection method: clinical testing. Allele origin: unknown.
Comment: This variant is considered likely benign. This variant is intronic and is not expected to impact mRNA splicing.